The following is an entry in ClinVar:

NM_000553.6(WRN):c.4251C>T (p.Thr1417=)

Genes: WRN (WRN RecQ like helicase; plus strand), LOC126860342 (MED14-independent group 3 enhancer GRCh37_chr8:31029565-31030764; plus strand). Cytogenetic location: 8p12.
Variant type: single nucleotide variant.
Coding change: c.4251C>T on transcript NM_000553.6 (MANE Select); coding-DNA position 4251, C replaced by T.
Protein change: p.Thr1417=; no amino-acid change (threonine 1417 retained).
Molecular consequence: synonymous variant.
Genome position (GRCh38, 1-based): chr8:31,173,054, C>T. VCF-style: chr8-31173054-C-T. GRCh37 (hg19) VCF-style: chr8-31030570-C-T.
Identifiers: ClinVar variation 696267 (VCV000696267.34), dbSNP rs772748725, ClinGen allele CA4705306.

ClinVar aggregate classification (germline): Likely benign. Review status: criteria provided, multiple submitters, no conflicts (2 of 4 stars). 2 submissions from 2 submitters: Likely benign (2). Last evaluated 2025-08-11.

Conditions:
Werner syndrome (WRN). Identifiers: Orphanet 902, MedGen C0043119, MONDO:0010196, OMIM 277700.

Allele frequency attached by ClinVar (database versions not stated): TOPMed below 0.00001; ExAC 0.00001; gnomAD exomes 0.00001; gnomAD 0.00002.
gnomAD v4.1: 10 of 1,613,822 alleles (0.00062%); highest among the groups gnomAD compares: Admixed American, 0.005%; no homozygotes.

Submissions (2):

Labcorp Genetics (formerly Invitae), Labcorp
Classification: Likely benign for Werner syndrome. Last evaluated: 2025-08-11. Review status: criteria provided, single submitter. Criteria: Invitae Variant Classification Sherloc (09022015). Collection method: clinical testing. Allele origin: germline.

CeGaT Center for Human Genetics Tuebingen
Classification: Likely benign. Last evaluated: 2022-04-01. Review status: criteria provided, single submitter. Criteria: CeGaT Center For Human Genetics Tuebingen Variant Classification Criteria Version 2. Collection method: clinical testing. Allele origin: germline. Affected: yes. Observed: 1 variant allele.
Comment: WRN: BP4, BP7